The following is an entry in ClinVar:

ClinVar aggregate classification (germline): Uncertain significance (1 of 4 stars; one submission).

Submission:

Labcorp Genetics (formerly Invitae), Labcorp
Classification: Uncertain significance. Last evaluated: 2022-10-26. Review status: criteria provided, single submitter. Criteria: Invitae Variant Classification Sherloc (09022015). Collection method: clinical testing. Allele origin: germline.
Comment: This variant results in a copy number gain of the genomic region encompassing exon(s) 9-13 of the EXOSC9 gene. This region includes the termination codon of the gene. This copy number gain extends beyond the assayed region for this gene and therefore may encompass additional genes. As the precise location of this event is unknown, it may be in tandem or it may be located elsewhere in the genome. This variant has not been reported in the literature in individuals affected with EXOSC9-related conditions. Experimental studies and prediction algorithms are not available or were not evaluated, and the functional significance of this variant is currently unknown. In summary, the available evidence is currently insufficient to determine the role of this variant in disease. Therefore, it has been classified as a Variant of Uncertain Significance.

NC_000004.11:g.(?_122734369)_(122738011_?)dup

Genes: CCNA2 (cyclin A2; minus strand), EXOSC9 (exosome component 9; plus strand). Cytogenetic location: 4q27.
Variant type: Duplication.
Identifiers: ClinVar variation 1410033 (VCV001410033.4).